The following is an entry in ClinVar:

ClinVar aggregate classification (germline): Likely benign (1 of 4 stars; one submission).

Allele frequency attached by ClinVar (database versions not stated): TOPMed 0.00003.
gnomAD v4.1: 10 of 1,603,738 alleles (0.00062%); highest among the groups gnomAD compares: African/African-American, 0.012%; no homozygotes.

Submission:

CeGaT Center for Human Genetics Tuebingen
Classification: Likely benign. Last evaluated: 2023-03-01. Review status: criteria provided, single submitter. Criteria: CeGaT Center For Human Genetics Tuebingen Variant Classification Criteria Version 2. Collection method: clinical testing. Allele origin: germline. Affected: yes. Observed: 1 variant allele.
Comment: CIT: BP4, BP7

NM_001206999.2(CIT):c.1245G>C (p.Pro415=)

Gene: CIT (citron rho-interacting serine/threonine kinase; minus strand). Cytogenetic location: 12q24.23.
Variant type: single nucleotide variant.
Coding change: c.1245G>C on transcript NM_001206999.2 (MANE Select); coding-DNA position 1245, G replaced by C.
Protein change: p.Pro415=; no amino-acid change (proline 415 retained).
Molecular consequence: synonymous variant.
Genome position (GRCh38, 1-based): chr12:119,803,256, C>G on the plus strand (G>C on the coding strand, the complement: CIT is on the minus strand). VCF-style: chr12-119803256-C-G. GRCh37 (hg19) VCF-style: chr12-120241060-C-G.
Other names: c.1245G>C, p.Pro415= (NM_007174.3).
Identifiers: ClinVar variation 2643393 (VCV002643393.24), dbSNP rs146064873, ClinGen allele CA6822152.